The following is an entry in ClinVar:

ClinVar aggregate classification (germline): Conflicting classifications of pathogenicity. Review status: criteria provided, conflicting classifications (1 of 4 stars). 2 submissions from 2 submitters: Uncertain significance (1); Likely benign (1). Last evaluated 2024-09-20.

Conditions:
Non-acquired combined pituitary hormone deficiency with spine abnormalities (CPHD3). Also called: Winkelman Bethge Pfeiffer syndrome; WBP syndrome; Combined pituitary hormone deficiency type 3. Identifiers: Orphanet 231720, MedGen C3489787, MONDO:0009091, OMIM 221750.

Allele frequency attached by ClinVar (database versions not stated): 1000 Genomes Project 30x 0.00016.
gnomAD v4.1: 148 of 1,419,612 alleles (0.01%); highest among the groups gnomAD compares: East Asian, 0.45%; no homozygotes.

Submissions (2):

3billion
Classification: Likely benign for Non-acquired combined pituitary hormone deficiency with spine abnormalities. Last evaluated: 2024-09-20. Review status: criteria provided, single submitter. Criteria: ACMG Guidelines, 2015. Collection method: clinical testing. Allele origin: germline. Affected: no.
Comment: The homozygous variant was found in patients diagnosed with another variant in a different gene, with no symptoms related to the gene containing the homozygous variant.

Illumina Laboratory Services, Illumina
Classification: Uncertain significance for Non-acquired combined pituitary hormone deficiency with spine abnormalities. Last evaluated: 2018-01-13. Review status: criteria provided, single submitter. Criteria: ICSL Variant Classification Criteria 13 December 2019. Collection method: clinical testing. Allele origin: germline.

NM_178138.6(LHX3):c.79+1813G>C

Gene: LHX3 (LIM homeobox 3; minus strand). Cytogenetic location: 9q34.3.
Variant type: single nucleotide variant.
Coding change: c.79+1813G>C on transcript NM_178138.6 (MANE Select); 1813 bases into the intron after coding-DNA position 79, G replaced by C.
Molecular consequence: intron variant. On other transcripts: 5 prime UTR variant (1).
Genome position (GRCh38, 1-based): chr9:136,203,121, C>G on the plus strand (G>C on the coding strand, the complement: LHX3 is on the minus strand). VCF-style: chr9-136203121-C-G. GRCh37 (hg19) VCF-style: chr9-139094967-C-G.
Other names: c.-82G>C (NM_014564.5).
Identifiers: ClinVar variation 365827 (VCV000365827.6), dbSNP rs886063706, ClinGen allele CA10629561.